The following is an entry in ClinVar:

ClinVar aggregate classification (germline): Uncertain significance (1 of 4 stars; one submission).

Submission:

GeneDx
Classification: Uncertain significance. Last evaluated: 2025-01-22. Review status: criteria provided, single submitter. Criteria: GeneDx Variant Classification Process June 2021. Collection method: clinical testing. Allele origin: germline.
Comment: Not observed at significant frequency in large population cohorts (gnomAD); In silico analysis supports that this missense variant has a deleterious effect on protein structure/function; Has not been previously published as pathogenic or benign to our knowledge

NM_007126.5(VCP):c.1947T>A (p.Asp649Glu)

Gene: VCP (valosin containing protein; minus strand). Cytogenetic location: 9p13.3.
Variant type: single nucleotide variant.
Coding change: c.1947T>A on transcript NM_007126.5 (MANE Select); coding-DNA position 1947, T replaced by A.
Protein change: p.Asp649Glu; replaces aspartic acid 649 with glutamic acid.
Molecular consequence: missense variant.
Genome position (GRCh38, 1-based): chr9:35,059,550, A>T on the plus strand (T>A on the coding strand, the complement: VCP is on the minus strand). VCF-style: chr9-35059550-A-T. GRCh37 (hg19) VCF-style: chr9-35059547-A-T.
Other names: c.1812T>A, p.Asp604Glu (NM_001354927.2, NM_001354928.2); short protein forms D604E, D649E.
Identifiers: ClinVar variation 3384412 (VCV003384412.2).